The following is an entry in ClinVar:

NM_000179.3(MSH6):c.3895G>C (p.Gly1299Arg)

Gene: MSH6 (mutS homolog 6; plus strand). Cytogenetic location: 2p16.3.
Variant type: single nucleotide variant.
Coding change: c.3895G>C on transcript NM_000179.3 (MANE Select); coding-DNA position 3895, G replaced by C.
Protein change: p.Gly1299Arg; replaces glycine 1299 with arginine.
Molecular consequence: missense variant. On other transcripts: non-coding transcript variant (5), intron variant (1).
Genome position (GRCh38, 1-based): chr2:47,806,545, G>C. VCF-style: chr2-47806545-G-C. GRCh37 (hg19) VCF-style: chr2-48033684-G-C.
Other names: c.3505G>C, p.Gly1169Arg (NM_001281492.2); c.2989G>C, p.Gly997Arg (NM_001281493.2, NM_001281494.2, NM_001406829.1 and 6 more transcripts); c.3991G>C, p.Gly1331Arg (NM_001406795.1); c.3895G>C, p.Gly1299Arg (NM_001406796.1, NM_001406808.1, NM_001406809.1); c.3598G>C, p.Gly1200Arg (NM_001406797.1, NM_001406801.1, NM_001406805.1 and 10 more transcripts); c.3721G>C, p.Gly1241Arg (NM_001406798.1); c.3370G>C, p.Gly1124Arg (NM_001406799.1, NM_001406806.1, NM_001406807.1); c.3882G>C, p.Met1294Ile (NM_001406800.1); and 9 more; short protein forms G1273R, G248R, G1241R, G1243R, G226R, G997R, M1294I, G1011R.
Identifiers: ClinVar variation 3716182 (VCV003716182.2).

ClinVar aggregate classification (germline): Uncertain significance (1 of 4 stars; one submission).

Conditions:
Hereditary nonpolyposis colorectal neoplasms. Identifiers: MedGen C0009405, MeSH D003123.

Submission:

Labcorp Genetics (formerly Invitae), Labcorp
Classification: Uncertain significance for Hereditary nonpolyposis colorectal neoplasms. Last evaluated: 2025-11-25. Review status: criteria provided, single submitter. Criteria: Invitae Variant Classification Sherloc (09022015). Collection method: clinical testing. Allele origin: germline.
Comment: This sequence change replaces glycine, which is neutral and non-polar, with arginine, which is basic and polar, at codon 1299 of the MSH6 protein (p.Gly1299Arg). This variant is not present in population databases (gnomAD no frequency). This variant has not been reported in the literature in individuals affected with MSH6-related conditions. ClinVar contains an entry for this variant (Variation ID: 3716182). Invitae Evidence Modeling of protein sequence and biophysical properties (such as structural, functional, and spatial information, amino acid conservation, physicochemical variation, residue mobility, and thermodynamic stability) indicates that this missense variant is expected to disrupt MSH6 protein function with a positive predictive value of 95%. In summary, the available evidence is currently insufficient to determine the role of this variant in disease. Therefore, it has been classified as a Variant of Uncertain Significance.